The following is an entry in ClinVar:

ClinVar aggregate classification (germline): Uncertain significance (1 of 4 stars; one submission).

Allele frequency attached by ClinVar (database versions not stated): gnomAD exomes below 0.00001; TOPMed below 0.00001; gnomAD 0.00001.
gnomAD v4.1: 4 of 1,562,610 alleles (0.00026%); highest among the groups gnomAD compares: African/African-American, 0.0014%; no homozygotes.

Submission:

GeneDx
Classification: Uncertain significance. Last evaluated: 2023-03-24. Review status: criteria provided, single submitter. Criteria: GeneDx Variant Classification Process June 2021. Collection method: clinical testing. Allele origin: germline. Affected: yes.
Comment: Not observed at significant frequency in large population cohorts (gnomAD); In silico analysis supports that this missense variant has a deleterious effect on protein structure/function; Has not been previously published as pathogenic or benign to our knowledge

NM_138576.4(BCL11B):c.1217C>T (p.Thr406Met)

Gene: BCL11B (BCL11 transcription factor B; minus strand). Cytogenetic location: 14q32.2.
Variant type: single nucleotide variant.
Coding change: c.1217C>T on transcript NM_138576.4 (MANE Select); coding-DNA position 1217, C replaced by T.
Protein change: p.Thr406Met; replaces threonine 406 with methionine.
Molecular consequence: missense variant.
Genome position (GRCh38, 1-based): chr14:99,175,619, G>A on the plus strand (C>T on the coding strand, the complement: BCL11B is on the minus strand). VCF-style: chr14-99175619-G-A. GRCh37 (hg19) VCF-style: chr14-99641956-G-A.
Other names: c.1214C>T, p.Thr405Met (NM_001282237.2); c.1001C>T, p.Thr334Met (NM_001282238.2); c.1004C>T, p.Thr335Met (NM_022898.3); short protein forms T334M, T335M, T405M, T406M.
Identifiers: ClinVar variation 2581979 (VCV002581979.1), dbSNP rs1029333696, ClinGen allele CA266105959.